The following is an entry in ClinVar:

ClinVar aggregate classification (germline): Uncertain significance (1 of 4 stars; one submission).

Allele frequency attached by ClinVar (database versions not stated): ExAC 0.00001; gnomAD 0.00001; gnomAD exomes 0.00001.
gnomAD v4.1: 17 of 1,614,058 alleles (0.0011%); highest among the groups gnomAD compares: Admixed American, 0.0017%; no homozygotes.

Submission:

Labcorp Genetics (formerly Invitae), Labcorp
Classification: Uncertain significance. Last evaluated: 2025-09-02. Review status: criteria provided, single submitter. Criteria: Invitae Variant Classification Sherloc (09022015). Collection method: clinical testing. Allele origin: germline.
Comment: This sequence change replaces arginine, which is basic and polar, with cysteine, which is neutral and slightly polar, at codon 1610 of the DSCAML1 protein (p.Arg1610Cys). This variant is present in population databases (rs776238396, gnomAD 0.003%). This variant has not been reported in the literature in individuals affected with DSCAML1-related conditions. ClinVar contains an entry for this variant (Variation ID: 1901279). An algorithm developed to predict the effect of missense changes on protein structure and function (PolyPhen-2) suggests that this variant is likely to be disruptive. In summary, the available evidence is currently insufficient to determine the role of this variant in disease. Therefore, it has been classified as a Variant of Uncertain Significance.

NM_020693.4(DSCAML1):c.4648C>T (p.Arg1550Cys)

Gene: DSCAML1 (DS cell adhesion molecule like 1; minus strand). Cytogenetic location: 11q23.3.
Variant type: single nucleotide variant.
Coding change: c.4648C>T on transcript NM_020693.4 (MANE Select); coding-DNA position 4648, C replaced by T.
Protein change: p.Arg1550Cys; replaces arginine 1550 with cysteine.
Molecular consequence: missense variant.
Genome position (GRCh38, 1-based): chr11:117,437,194, G>A on the plus strand (C>T on the coding strand, the complement: DSCAML1 is on the minus strand). VCF-style: chr11-117437194-G-A. GRCh37 (hg19) VCF-style: chr11-117307910-G-A.
Other names: short protein forms R1550C.
Identifiers: ClinVar variation 1901279 (VCV001901279.5), dbSNP rs776238396, ClinGen allele CA6296320.